The following is an entry in ClinVar:

NM_005639.3(SYT1):c.764A>G (p.His255Arg)

Gene: SYT1 (synaptotagmin 1; plus strand). Cytogenetic location: 12q21.2.
Variant type: single nucleotide variant.
Coding change: c.764A>G on transcript NM_005639.3 (MANE Select); coding-DNA position 764, A replaced by G.
Protein change: p.His255Arg; replaces histidine 255 with arginine.
Molecular consequence: missense variant.
Genome position (GRCh38, 1-based): chr12:79,299,505, A>G. VCF-style: chr12-79299505-A-G. GRCh37 (hg19) VCF-style: chr12-79693285-A-G.
Other names: c.764A>G, p.His255Arg (NM_001135805.2, NM_001135806.2, NM_001415938.1 and 2 more transcripts); c.755A>G, p.His252Arg (NM_001291901.2, NM_001415941.1, NM_001415942.1 and 1 more transcripts); short protein forms H252R, H255R.
Identifiers: ClinVar variation 4975856 (VCV004975856.1).
Genomic context (GRCh38, chr12:79,299,505, plus strand): 5'-TCTCTAAGCATGACATCATTGGAGAATTTAAAGTCCCTATGAACACAGTGGATTTTGGCC[A>G]TGTAACTGAGGAATGGCGTGACCTGCAAAGTGCTGAGAAGGAAGAGGTAAGGGAATTACT-3'
Protein context (NP_005630.1, residues 245-265): KVPMNTVDFG[His255Arg]VTEEWRDLQS

ClinVar aggregate classification (germline): Uncertain significance (1 of 4 stars; one submission).

gnomAD v4.1: 1 of 1,613,478 alleles (0.000062%); highest among the groups gnomAD compares: East Asian, 0.0022%; no homozygotes.

Submission:

GeneDx
Classification: Uncertain significance. Last evaluated: 2026-01-28. Review status: criteria provided, single submitter. Criteria: GeneDx Variant Classification Process June 2021. Collection method: clinical testing. Allele origin: germline.
Comment: Not observed at significant frequency in large population cohorts (gnomAD); In silico analysis suggests that this missense variant does not alter protein structure/function; Has not been previously published as pathogenic or benign to our knowledge